The following is an entry in ClinVar:

ClinVar aggregate classification (germline): Uncertain significance. Review status: criteria provided, multiple submitters, no conflicts (2 of 4 stars). 2 submissions from 2 submitters: Uncertain significance (2). Last evaluated 2021-03-03.

Conditions:
Hereditary cancer-predisposing syndrome. Also called: Neoplastic Syndromes, Hereditary; Hereditary neoplastic syndrome; Hereditary Cancer Syndrome; Tumor predisposition. Identifiers: Orphanet 140162, MedGen C0027672, MeSH D009386, MONDO:0015356.

Submissions (2):

Ambry Genetics
Classification: Uncertain significance for Hereditary cancer-predisposing syndrome. Last evaluated: 2021-03-03. Review status: criteria provided, single submitter. Criteria: Ambry Variant Classification Scheme 2023. Collection method: clinical testing. Allele origin: germline.
Comment: The p.Q3036P variant (also known as c.9107A>C), located in coding exon 22 of the BRCA2 gene, results from an A to C substitution at nucleotide position 9107. The glutamine at codon 3036 is replaced by proline, an amino acid with similar properties. This amino acid position is well conserved in available vertebrate species. In addition, the in silico prediction for this alteration is inconclusive. Since supporting evidence is limited at this time, the clinical significance of this alteration remains unclear.

GeneDx
Classification: Uncertain significance. Last evaluated: 2020-12-24. Review status: criteria provided, single submitter. Criteria: GeneDx Variant Classification Process June 2021. Collection method: clinical testing. Allele origin: germline. Affected: yes.
Comment: Not observed in large population cohorts (Lek 2016); In silico analysis supports that this missense variant does not alter protein structure/function; Has not been previously published as pathogenic or benign to our knowledge; Also known as 9335A>C

NM_000059.4(BRCA2):c.9107A>C (p.Gln3036Pro)

Gene: BRCA2 (BRCA2 DNA repair associated; plus strand). Cytogenetic location: 13q13.1.
Variant type: single nucleotide variant.
Coding change: c.9107A>C on transcript NM_000059.4 (MANE Select); coding-DNA position 9107, A replaced by C.
Protein change: p.Gln3036Pro; replaces glutamine 3036 with proline.
Molecular consequence: missense variant.
Genome position (GRCh38, 1-based): chr13:32,379,903, A>C. VCF-style: chr13-32379903-A-C. GRCh37 (hg19) VCF-style: chr13-32954040-A-C.
Other names: short protein forms Q3036P.
Identifiers: ClinVar variation 1197224 (VCV001197224.4), dbSNP rs2137623768, ClinGen allele CA387757716.